The following is an entry in ClinVar:

ClinVar aggregate classification (germline): Benign. Review status: criteria provided, multiple submitters, no conflicts (2 of 4 stars). 2 submissions from 2 submitters: Benign (2). Last evaluated 2018-01-13.

Conditions:
Acrodysostosis 2 with or without hormone resistance. Also called: ACRODYSOSTOSIS 2 WITH HORMONE RESISTANCE; ACRODYSOSTOSIS 2 WITHOUT HORMONE RESISTANCE. Identifiers: Orphanet 280651, MedGen C3553250, MONDO:0013822, OMIM 614613.

Allele frequency attached by ClinVar (database versions not stated): TOPMed 0.15546; 1000 Genomes Project 0.15954; gnomAD 0.16029 and 0.16055; 1000 Genomes Project 30x 0.16380; gnomAD exomes 0.22664.
gnomAD v4.1: 24,420 of 152,540 alleles (16%); highest among the groups gnomAD compares: Admixed American, 19%; 2,095 homozygotes.

Submissions (2):

Illumina Laboratory Services, Illumina
Classification: Benign for Acrodysostosis 2 with or without hormone resistance. Last evaluated: 2018-01-13. Review status: criteria provided, single submitter. Criteria: ICSL Variant Classification Criteria 13 December 2019. Collection method: clinical testing. Allele origin: germline.
Comment: This variant was observed in the ICSL laboratory as part of a predisposition screen in an ostensibly healthy population. It had not been previously curated by ICSL or reported in the Human Gene Mutation Database (HGMD: prior to June 1st, 2018), and was therefore a candidate for classification through an automated scoring system. Utilizing variant allele frequency, disease prevalence and penetrance estimates, and inheritance mode, an automated score was calculated to assess if this variant is too frequent to cause the disease. Based on the score and internal cut-off values, a variant classified as benign is not then subjected to further curation. The score for this variant resulted in a classification of benign for this disease.

Breakthrough Genomics
Classification: Benign. Review status: criteria provided, single submitter. Criteria: ACMG Guidelines, 2015. Collection method: not provided. Allele origin: germline. Inheritance: Autosomal dominant inheritance. Affected: yes.

NM_001104631.2(PDE4D):c.*2484T>C

Gene: PDE4D (phosphodiesterase 4D; minus strand). Cytogenetic location: 5q11.2.
Variant type: single nucleotide variant.
Coding change: c.*2484T>C on transcript NM_001104631.2 (MANE Select); 2484 bases downstream of the stop codon, T replaced by C.
Molecular consequence: 3 prime UTR variant.
Genome position (GRCh38, 1-based): chr5:58,972,180, A>G on the plus strand (T>C on the coding strand, the complement: PDE4D is on the minus strand). VCF-style: chr5-58972180-A-G. GRCh37 (hg19) VCF-style: chr5-58268007-A-G.
Other names: c.*2484T>C (NM_001165899.2, NM_001197218.2, NM_001197219.2 and 11 more transcripts).
Identifiers: ClinVar variation 353942 (VCV000353942.6), dbSNP rs10035437, ClinGen allele CA10625019.
Genomic context (GRCh38, chr5:58,972,180, plus strand): 5'-TCTAGGCACTCTGTGGGGGAAATACTAAGTGTAGGGAGGAGAGGAATGAGAATGTTTTGG[A>G]AAGAGGAATAAACTCTAGACTCTTTACCTTTCTTTCTAGACTTCACTCAGGGACAAATAA-3'